The following is an entry in ClinVar:

NM_000355.4(TCN2):c.839A>T (p.Asp280Val)

Gene: TCN2 (transcobalamin 2; plus strand). Cytogenetic location: 22q12.2.
Variant type: single nucleotide variant.
Coding change: c.839A>T on transcript NM_000355.4 (MANE Select); coding-DNA position 839, A replaced by T.
Protein change: p.Asp280Val; replaces aspartic acid 280 with valine.
Molecular consequence: missense variant.
Genome position (GRCh38, 1-based): chr22:30,615,686, A>T. VCF-style: chr22-30615686-A-T. GRCh37 (hg19) VCF-style: chr22-31011673-A-T.
Other names: c.758A>T, p.Asp253Val (NM_001184726.2); short protein forms D253V, D280V.
Identifiers: ClinVar variation 1982264 (VCV001982264.4), dbSNP rs2517909847, ClinGen allele CA411213337.

ClinVar aggregate classification (germline): Uncertain significance (1 of 4 stars; one submission).

Conditions:
Transcobalamin II deficiency (TCN2D). Also called: Transcolabamin II deficiency; TC II DEFICIENCY; TCN2 DEFICIENCY. Identifiers: Orphanet 859, MedGen C0342701, MONDO:0010149, OMIM 275350.

Allele frequency attached by ClinVar (database versions not stated): gnomAD exomes below 0.00001.
gnomAD v4.1: 2 of 1,614,188 alleles (0.00012%); highest among the groups gnomAD compares: Non-Finnish European, 0.00017%; no homozygotes.

Submission:

Labcorp Genetics (formerly Invitae), Labcorp
Classification: Uncertain significance for Transcobalamin II deficiency. Last evaluated: 2022-11-15. Review status: criteria provided, single submitter. Criteria: Invitae Variant Classification Sherloc (09022015). Collection method: clinical testing. Allele origin: germline.
Comment: In summary, the available evidence is currently insufficient to determine the role of this variant in disease. Therefore, it has been classified as a Variant of Uncertain Significance. Advanced modeling of protein sequence and biophysical properties (such as structural, functional, and spatial information, amino acid conservation, physicochemical variation, residue mobility, and thermodynamic stability) performed at Invitae indicates that this missense variant is expected to disrupt TCN2 protein function. This variant has not been reported in the literature in individuals affected with TCN2-related conditions. This variant is not present in population databases (gnomAD no frequency). This sequence change replaces aspartic acid, which is acidic and polar, with valine, which is neutral and non-polar, at codon 280 of the TCN2 protein (p.Asp280Val).